The following is an entry in ClinVar:

ClinVar aggregate classification (germline): Pathogenic. Review status: reviewed by expert panel (3 of 4 stars). 6 submissions from 6 submitters: Pathogenic (1). 5 of the submissions do not count toward it. Last evaluated 2020-06-15.

Conditions:
Glycogen storage disease, type II (IOPD). Also called: POMPE DISEASE, INFANTILE-ONSET; GLYCOGEN STORAGE DISEASE II, INFANTILE-ONSET; ACID ALPHA-GLUCOSIDASE DEFICIENCY, INFANTILE-ONSET; GAA DEFICIENCY, INFANTILE-ONSET; ACID MALTASE DEFICIENCY, INFANTILE-ONSET; CARDIOMEGALIA GLYCOGENICA DIFFUSA. Identifiers: Orphanet 365, MedGen C0017921, MONDO:0009290, OMIM 232300.

Allele frequency attached by ClinVar (database versions not stated): gnomAD exomes below 0.00001.
gnomAD v4.1: 2 of 1,612,584 alleles (0.00012%); highest among the groups gnomAD compares: Non-Finnish European, 0.00017%; no homozygotes.

Submissions (6):

ClinGen Lysosomal Storage Disorder Variant Curation Expert Panel
Classification: Pathogenic for Glycogen storage disease, type II. Last evaluated: 2020-06-15. Review status: reviewed by expert panel. Criteria: ClinGen LSD ACMG Specifications v1. Collection method: curation. Allele origin: germline. Inheritance: Autosomal recessive inheritance.
Comment: This variant, c.281C>T (p.Gln81Ter), is a nonsense variant which is predicted to cause nonsense mediated decay and lack of gene product, meeting PVS1. The variant is absent in gnomAD v2.1.1, meeting PM2. Three siblings, all with low residual GAA activity meeting PP4, were reported to be compound heterozygous for the variant and a pathogenic missense change, c.2238G>C (p.Trp746Cys) (PMID 25526786). However, the intrans data was used in the assessment of p.Trp746Cys and was not included here in order to avoid a circular argument. There is a ClinVar entry for this variant (Variation ID: 557360, 1 star review status) with one submitter classifying the variant as likely pathogenic. In summary, meets the criteria to be classified as pathogenic for Pompe disease. GAA-specific ACMG/AMP criteria applied, based on the specifications of the ClinGen LSD VCEP: PVS1, PM2, PP4.

Genomenon, Inc
Classification: Pathogenic for Glycogen storage disease, type II. Last evaluated: 2026-07-01. Review status: criteria provided, single submitter. Criteria: Genomenon Sequence Variant Interpretation Standards - Updated. Collection method: curation. Allele origin: germline. Affected: yes. Not counted in ClinVar's aggregate classification.
Comment: GAA p.Gln81Ter (c.241C>T) is a nonsense variant that introduces a premature stop codon at amino acid position 81 and is predicted to result in a truncated or absent protein product. This variant has been observed in at least one proband with a GAA-related disorder (PMID:39010129;36137614;25526786). At least one splicing study has demonstrated that this variant results in aberrant splicing (PMID:31301153). It is absent or not present at a significant frequency in gnomAD. In conclusion, we classify GAA p.Gln81Ter (c.241C>T) as a pathogenic variant.

Labcorp Genetics (formerly Invitae), Labcorp
Classification: Pathogenic for Glycogen storage disease, type II. Last evaluated: 2025-12-12. Review status: criteria provided, single submitter. Criteria: Invitae Variant Classification Sherloc (09022015). Collection method: clinical testing. Allele origin: germline. Not counted in ClinVar's aggregate classification.
Comment: This sequence change creates a premature translational stop signal (p.Gln81*) in the GAA gene. It is expected to result in an absent or disrupted protein product. Loss-of-function variants in GAA are known to be pathogenic (PMID: 18425781, 22252923). This variant is not present in population databases (gnomAD no frequency). This premature translational stop signal has been observed in individual(s) with glycogen storage disease type II (PMID: 25526786). ClinVar contains an entry for this variant (Variation ID: 557360). For these reasons, this variant has been classified as Pathogenic.

Natera, Inc.
Classification: Pathogenic for Glycogen storage disease type II. Last evaluated: 2024-06-21. Review status: criteria provided, single submitter. Criteria: Natera Variant Classification Schema (03/2026). Collection method: clinical testing. Allele origin: germline. Not counted in ClinVar's aggregate classification.
Comment: The c.241C>T variant in GAA is a nonsense variant predicted to introduce a stop codon at amino acid 81. This variant is expected to result in nonsense mediated decay, truncation, or a dysfunctional protein product. This variant is rare in the general population with a frequency below the threshold expected for the associated phenotype(s). This variant has been observed in one or more individuals affected with the associated recessive disease, as either homozygous or compound heterozygous with a second variant (PMID: 25526786). Given the available evidence, this variant is classified as Pathogenic.

Revvity Omics, Revvity
Classification: Pathogenic. Last evaluated: 2023-08-21. Review status: criteria provided, single submitter. Criteria: ACMG Guidelines, 2015. Collection method: clinical testing. Allele origin: germline. Not counted in ClinVar's aggregate classification.

Counsyl
Classification: Likely pathogenic for Glycogen storage disease, type II. Last evaluated: 2018-03-20. Review status: no assertion criteria provided. Collection method: clinical testing. Allele origin: unknown. Not counted in ClinVar's aggregate classification.

Literature cited by the submitters: PubMed 25526786 (cited by 5 submitters); PubMed 39010129 (cited by Genomenon, Inc); PubMed 36137614 (cited by Genomenon, Inc); PubMed 31301153 (cited by Genomenon, Inc); PubMed 18425781 (cited by Labcorp Genetics (formerly Invitae), Labcorp); PubMed 22252923 (cited by Labcorp Genetics (formerly Invitae), Labcorp).

NM_000152.5(GAA):c.241C>T (p.Gln81Ter)

Gene: GAA (alpha glucosidase; plus strand). Cytogenetic location: 17q25.3.
Variant type: single nucleotide variant.
Coding change: c.241C>T on transcript NM_000152.5 (MANE Select); coding-DNA position 241, C replaced by T.
Protein change: p.Gln81Ter; replaces glutamine 81 with a stop codon.
Molecular consequence: nonsense.
Genome position (GRCh38, 1-based): chr17:80,104,827, C>T. VCF-style: chr17-80104827-C-T. GRCh37 (hg19) VCF-style: chr17-78078626-C-T.
Other names: c.241C>T (LRG_673t1, NM_000152.4); c.241C>T, p.Gln81Ter (NM_001079803.3, NM_001079804.3); short protein forms Q81*.
Identifiers: ClinVar variation 557360 (VCV000557360.10), dbSNP rs1555598687, ClinGen allele CA401360518.